The following is an entry in ClinVar:

NM_001206927.2(DNAH8):c.3344C>T (p.Pro1115Leu)

Gene: DNAH8 (dynein axonemal heavy chain 8; plus strand). Cytogenetic location: 6p21.2.
Variant type: single nucleotide variant.
Coding change: c.3344C>T on transcript NM_001206927.2 (MANE Select); coding-DNA position 3344, C replaced by T.
Protein change: p.Pro1115Leu; replaces proline 1115 with leucine.
Molecular consequence: missense variant.
Genome position (GRCh38, 1-based): chr6:38,815,478, C>T. VCF-style: chr6-38815478-C-T. GRCh37 (hg19) VCF-style: chr6-38783254-C-T.
Other names: c.3344C>T (NM_001206927.1); c.2693C>T, p.Pro898Leu (NM_001371.4); short protein forms P1115L, P898L.
Identifiers: ClinVar variation 1486481 (VCV001486481.6), dbSNP rs754333679, ClinGen allele CA3788823.
Genomic context (GRCh38, chr6:38,815,478, plus strand): 5'-ATGGACTGTATGTGCCGGCAGTATTACACATTTGTTTCTTCTTTCCACAGGTGATGATTC[C>T]TAGTTTGGATGACATTCAACAAGCCATTAACCGTATGATCCAGTTAACCCTGGAGGTCAG-3'
Protein context (NP_001193856.1, residues 1105-1125): HLAIPNVVMI[Pro1115Leu]SLDDIQQAIN

ClinVar aggregate classification (germline): Uncertain significance. Review status: criteria provided, multiple submitters, no conflicts (2 of 4 stars). 2 submissions from 2 submitters: Uncertain significance (2). Last evaluated 2024-10-03.

Conditions:
Primary ciliary dyskinesia. Also called: Ciliary dyskinesia. Identifiers: Orphanet 244, MedGen C0008780, MONDO:0016575, HP:0012265.

Allele frequency attached by ClinVar (database versions not stated): gnomAD exomes below 0.00001; ExAC 0.00001; TOPMed 0.00003.
gnomAD v4.1: 1 of 1,613,278 alleles (0.000062%); highest among the groups gnomAD compares: Non-Finnish European, 0.000085%; no homozygotes.

Submissions (2):

Ambry Genetics
Classification: Uncertain significance. Last evaluated: 2024-10-03. Review status: criteria provided, single submitter. Criteria: Ambry Variant Classification Scheme 2023. Collection method: clinical testing. Allele origin: germline.

Labcorp Genetics (formerly Invitae), Labcorp
Classification: Uncertain significance for Primary ciliary dyskinesia. Last evaluated: 2021-08-30. Review status: criteria provided, single submitter. Criteria: Invitae Variant Classification Sherloc (09022015). Collection method: clinical testing. Allele origin: germline.
Comment: Algorithms developed to predict the effect of missense changes on protein structure and function are either unavailable or do not agree on the potential impact of this missense change (SIFT: "Deleterious"; PolyPhen-2: "Not Available"; Align-GVGD: "Class C0"). This sequence change replaces proline with leucine at codon 1115 of the DNAH8 protein (p.Pro1115Leu). The proline residue is highly conserved and there is a moderate physicochemical difference between proline and leucine. This variant is present in population databases (rs754333679, ExAC 0.002%). This variant has not been reported in the literature in individuals affected with DNAH8-related conditions. In summary, the available evidence is currently insufficient to determine the role of this variant in disease. Therefore, it has been classified as a Variant of Uncertain Significance.